The following is an entry in ClinVar:

ClinVar aggregate classification (germline): Uncertain significance (1 of 4 stars; one submission).

Conditions:
Emery-Dreifuss muscular dystrophy 5, autosomal dominant (EDMD5). Also called: EMERY-DREIFUSS MUSCULAR DYSTROPHY 5. Identifiers: Orphanet 261, MedGen C2751805, MONDO:0013072, OMIM 612999.

Allele frequency attached by ClinVar (database versions not stated): TOPMed below 0.00001; ExAC 0.00001.
gnomAD v4.1: 1 of 1,614,104 alleles (0.000062%); highest among the groups gnomAD compares: Admixed American, 0.0017%; no homozygotes.

Submission:

Labcorp Genetics (formerly Invitae), Labcorp
Classification: Uncertain significance for Emery-Dreifuss muscular dystrophy 5, autosomal dominant. Last evaluated: 2024-06-13. Review status: criteria provided, single submitter. Criteria: Invitae Variant Classification Sherloc (09022015). Collection method: clinical testing. Allele origin: germline.
Comment: This sequence change replaces proline, which is neutral and non-polar, with threonine, which is neutral and polar, at codon 6449 of the SYNE2 protein (p.Pro6449Thr). This variant is present in population databases (rs768426686, gnomAD 0.003%). This variant has not been reported in the literature in individuals affected with SYNE2-related conditions. ClinVar contains an entry for this variant (Variation ID: 2085285). Algorithms developed to predict the effect of missense changes on protein structure and function output the following: SIFT: "Not Available"; PolyPhen-2: "Possibly Damaging"; Align-GVGD: "Not Available". The threonine amino acid residue is found in multiple mammalian species, which suggests that this missense change does not adversely affect protein function. In summary, the available evidence is currently insufficient to determine the role of this variant in disease. Therefore, it has been classified as a Variant of Uncertain Significance.

NM_182914.3(SYNE2):c.19345C>A (p.Pro6449Thr)

Gene: SYNE2 (spectrin repeat containing nuclear envelope protein 2; plus strand). Cytogenetic location: 14q23.2.
Variant type: single nucleotide variant.
Coding change: c.19345C>A on transcript NM_182914.3 (MANE Select); coding-DNA position 19345, C replaced by A.
Protein change: p.Pro6449Thr; replaces proline 6449 with threonine.
Molecular consequence: missense variant. On other transcripts: intron variant (1).
Genome position (GRCh38, 1-based): chr14:64,215,297, C>A. VCF-style: chr14-64215297-C-A. GRCh37 (hg19) VCF-style: chr14-64682015-C-A.
Other names: c.247C>A, p.Pro83Thr (NM_182913.4); c.19333+827C>A (NM_015180.6); short protein forms P83T, P6449T.
Identifiers: ClinVar variation 2085285 (VCV002085285.4), dbSNP rs768426686, ClinGen allele CA7224402.